The following is an entry in ClinVar:

ClinVar aggregate classification (germline): Pathogenic/Likely pathogenic. Review status: criteria provided, multiple submitters, no conflicts (2 of 4 stars). 3 submissions from 3 submitters: Pathogenic (2); Likely pathogenic (1). Last evaluated 2025-03-23.

Conditions:
Hereditary cancer-predisposing syndrome. Also called: Tumor predisposition; Hereditary Cancer Syndrome; Hereditary neoplastic syndrome; Neoplastic Syndromes, Hereditary. Identifiers: Orphanet 140162, MedGen C0027672, MeSH D009386, MONDO:0015356.
Familial adenomatous polyposis 2. Also called: COLORECTAL ADENOMATOUS POLYPOSIS, AUTOSOMAL RECESSIVE; MUTYH Polyposis; MUTYH-associated polyposis; MUTYH-related attenuated familial adenomatous polyposis; Adenomas, multiple colorectal; ADENOMAS, MULTIPLE COLORECTAL, AUTOSOMAL RECESSIVE. Identifiers: Orphanet 220460, Orphanet 247798, MedGen C3272841, MONDO:0012041, OMIM 608456.

Allele frequency attached by ClinVar (database versions not stated): gnomAD exomes below 0.00001.
gnomAD v4.1: 6 of 1,614,212 alleles (0.00037%); highest among the groups gnomAD compares: Non-Finnish European, 0.00051%; no homozygotes.

Submissions (3):

Labcorp Genetics (formerly Invitae), Labcorp
Classification: Pathogenic for Familial adenomatous polyposis 2. Last evaluated: 2025-03-23. Review status: criteria provided, single submitter. Criteria: Invitae Variant Classification Sherloc (09022015). Collection method: clinical testing. Allele origin: germline.
Comment: This sequence change creates a premature translational stop signal (p.Trp427*) in the MUTYH gene. It is expected to result in an absent or disrupted protein product. Loss-of-function variants in MUTYH are known to be pathogenic (PMID: 18534194, 20663686). This variant is not present in population databases (gnomAD no frequency). This variant has not been reported in the literature in individuals affected with MUTYH-related conditions. ClinVar contains an entry for this variant (Variation ID: 406830). For these reasons, this variant has been classified as Pathogenic.

Ambry Genetics
Classification: Pathogenic for Hereditary cancer-predisposing syndrome. Last evaluated: 2023-07-17. Review status: criteria provided, single submitter. Criteria: Ambry Variant Classification Scheme 2023. Collection method: clinical testing. Allele origin: germline.
Comment: The p.W427* pathogenic mutation (also known as c.1281G>A), located in coding exon 13 of the MUTYH gene, results from a G to A substitution at nucleotide position 1281. This changes the amino acid from a tryptophan to a stop codon within coding exon 13. This variant is considered to be rare based on population cohorts in the Genome Aggregation Database (gnomAD). This alteration is expected to result in loss of function by premature protein truncation or nonsense-mediated mRNA decay. As such, this alteration is interpreted as a disease-causing mutation.

Baylor Genetics
Classification: Likely pathogenic for Familial adenomatous polyposis 2. Last evaluated: 2023-03-09. Review status: criteria provided, single submitter. Criteria: ACMG Guidelines, 2015. Collection method: clinical testing. Allele origin: unknown.

Literature cited by the submitters: PubMed 18534194 (cited by Labcorp Genetics (formerly Invitae), Labcorp); PubMed 20663686 (cited by Labcorp Genetics (formerly Invitae), Labcorp).

NM_001048174.2(MUTYH):c.1197G>A (p.Trp399Ter)

Gene: MUTYH (mutY DNA glycosylase; minus strand). Cytogenetic location: 1p34.1.
Variant type: single nucleotide variant.
Coding change: c.1197G>A on transcript NM_001048174.2 (MANE Select); coding-DNA position 1197, G replaced by A.
Protein change: p.Trp399Ter; replaces tryptophan 399 with a stop codon.
Molecular consequence: nonsense. On other transcripts: non-coding transcript variant (2).
Genome position (GRCh38, 1-based): chr1:45,331,462, C>T on the plus strand (G>A on the coding strand, the complement: MUTYH is on the minus strand). VCF-style: chr1-45331462-C-T. GRCh37 (hg19) VCF-style: chr1-45797134-C-T.
Other names: c.1197G>A, p.Trp399Ter (NM_001048171.2, NM_001048173.2, NM_001293195.2); c.1200G>A, p.Trp400Ter (NM_001048172.2); c.1281G>A, p.Trp427Ter (NM_001128425.2); c.1242G>A, p.Trp414Ter (NM_001293190.2); c.1230G>A, p.Trp410Ter (NM_001293191.2); c.921G>A, p.Trp307Ter (NM_001293192.2, NM_001293196.2); c.852G>A, p.Trp284Ter (NM_001350650.2, NM_001350651.2); c.1272G>A, p.Trp424Ter (NM_012222.3); short protein forms W427*, W307*, W400*, W414*, W424*, W284*, W410*, W399*.
Identifiers: ClinVar variation 406830 (VCV000406830.14), dbSNP rs1060501325, ClinGen allele CA16610172.